The following is an entry in ClinVar:

ClinVar aggregate classification (germline): Uncertain significance (1 of 4 stars; one submission).

Submission:

GeneDx
Classification: Uncertain significance. Last evaluated: 2025-04-18. Review status: criteria provided, single submitter. Criteria: GeneDx Variant Classification Process June 2021. Collection method: clinical testing. Allele origin: germline. Affected: yes.
Comment: Not observed at significant frequency in large population cohorts (gnomAD); In silico analysis supports that this missense variant has a deleterious effect on protein structure/function; Has not been previously published as pathogenic or benign to our knowledge; This variant is associated with the following publications: (PMID: 18409179)

NM_000489.6(ATRX):c.739A>C (p.Asn247His)

Gene: ATRX (ATRX chromatin remodeler; minus strand). Cytogenetic location: Xq21.1.
Variant type: single nucleotide variant.
Coding change: c.739A>C on transcript NM_000489.6 (MANE Select); coding-DNA position 739, A replaced by C.
Protein change: p.Asn247His; replaces asparagine 247 with histidine.
Molecular consequence: missense variant.
Genome position (GRCh38, 1-based): chrX:77,684,517, T>G on the plus strand (A>C on the coding strand, the complement: ATRX is on the minus strand). VCF-style: chrX-77684517-T-G. GRCh37 (hg19) VCF-style: chrX-76940009-T-G.
Other names: c.625A>C, p.Asn209His (NM_138270.5); short protein forms N209H, N247H.
Identifiers: ClinVar variation 4282487 (VCV004282487.1).